The following is an entry in ClinVar:

ClinVar aggregate classification (germline): Uncertain significance (1 of 4 stars; one submission).

Conditions:
Primary dilated cardiomyopathy (DCM). Also called: Dilated Cardiomyopathy. Identifiers: Orphanet 217604, MedGen C0007193, MeSH D002311, MONDO:0005021, HP:0001644. Inheritance: Various modes of inheritance.

Submission:

All of Us Research Program, National Institutes of Health
Classification: Uncertain significance for Primary dilated cardiomyopathy. Last evaluated: 2024-08-06. Review status: criteria provided, single submitter. Criteria: ACMG Guidelines, 2015. Collection method: clinical testing. Allele origin: germline. Inheritance: Autosomal dominant inheritance. Observed: 1 variant allele, 1 heterozygote.
Comment: This study involves interpretation of variants in research participants for the purpose of population health screening. Participant phenotype was not available at the time of variant classification. Additional details can be found in publication PMID: 35346344, PMCID: PMC8962531

NM_170707.4(LMNA):c.1927A>G (p.Thr643Ala)

Gene: LMNA (lamin A/C; plus strand). Cytogenetic location: 1q22.
Variant type: single nucleotide variant.
Coding change: c.1927A>G on transcript NM_170707.4 (MANE Select); coding-DNA position 1927, A replaced by G.
Protein change: p.Thr643Ala; replaces threonine 643 with alanine.
Molecular consequence: missense variant. On other transcripts: intron variant (1).
Genome position (GRCh38, 1-based): chr1:156,138,716, A>G. VCF-style: chr1-156138716-A-G. GRCh37 (hg19) VCF-style: chr1-156108507-A-G.
Other names: c.1591A>G, p.Thr531Ala (NM_001257374.3, NM_001406989.1); c.1927A>G, p.Thr643Ala (NM_001406983.1, NM_001406985.1, NM_001406991.1); c.1684A>G, p.Thr562Ala (NM_001406986.1, NM_001406987.1); c.1630A>G, p.Thr544Ala (NM_001406988.1); c.1369A>G, p.Thr457Ala (NM_001406990.1, NM_001406993.1, NM_001406995.1 and 2 more transcripts); c.1303A>G, p.Thr435Ala (NM_001406994.1, NM_001406999.1, NM_001407000.1 and 1 more transcripts); c.1837A>G, p.Thr613Ala (NM_170708.4); c.1818+109A>G (NM_001282626.2); short protein forms T435A, T457A, T531A, T544A, T562A, T613A, T643A.
Identifiers: ClinVar variation 3387016 (VCV003387016.1).
Genomic context (GRCh38, chr1:156,138,716, plus strand): 5'-ACTCGCAGCTACCGCAGTGTGGGGGGCAGTGGGGGTGGCAGCTTCGGGGACAATCTGGTC[A>G]CCCGCTCCTACCTCCTGGGCAACTCCAGCCCCCGAACCCAGGTGAGTTGTCTCTGCTTTG-3'
Protein context (NP_733821.1, residues 633-653): GGGSFGDNLV[Thr643Ala]RSYLLGNSSP